The following is an entry in ClinVar:

NM_013336.4(SEC61A1):c.126_127del (p.Leu43fs)

Gene: SEC61A1 (SEC61 translocon subunit alpha 1; plus strand). Cytogenetic location: 3q21.3.
Variant type: Deletion.
Coding change: c.126_127del on transcript NM_013336.4 (MANE Select); coding-DNA positions 126 to 127, 2 bases deleted (CT; older notation c.126_127delCT).
Protein change: p.Leu43fs; shifts the reading frame from leucine 43.
Molecular consequence: frameshift variant. On other transcripts: 5 prime UTR variant (1).
Genome position (GRCh38, 1-based): chr3:128,055,566-128,055,567, CT deleted; deleting any 2 consecutive bases within chr3:128,055,565-128,055,567 gives the same sequence; the c. name uses the placement nearest the transcript's 3' end. VCF-style (leftmost placement, unchanged base first): chr3-128055564-TTC-T. GRCh37 (hg19) VCF-style: chr3-127774407-TTC-T.
Other names: c.144_145del, p.Leu49fs (NM_001400328.1); c.-34_-33del (NM_001400329.1); short protein forms L43fs, L49fs.
Identifiers: ClinVar variation 4731512 (VCV004731512.1).
Genomic context (GRCh38, chr3:128,055,564, plus strand): 5'-CTCCTACTCTAGATTCAGTTTAAGGAGAAAGTGCTGTGGACCGCTATCACCCTCTTTATC[TTC>T]TTAGTGTGCTGCCAGGTAAGCTCAGGCTTGTATTTCGTATTGGGGAGGGGGATAAGAGTG-3'

ClinVar aggregate classification (germline): Uncertain significance (1 of 4 stars; one submission).

Submission:

Labcorp Genetics (formerly Invitae), Labcorp
Classification: Uncertain significance. Last evaluated: 2025-11-25. Review status: criteria provided, single submitter. Criteria: Invitae Variant Classification Sherloc (09022015). Collection method: clinical testing. Allele origin: germline.
Comment: This sequence change creates a premature translational stop signal (p.Leu43Serfs*17) in the SEC61A1 gene. It is expected to result in an absent or disrupted protein product. However, the current clinical and genetic evidence is not sufficient to establish whether loss-of-function variants in SEC61A1 cause disease. This variant is not present in population databases (gnomAD no frequency). This variant has not been reported in the literature in individuals affected with SEC61A1-related conditions. In summary, the available evidence is currently insufficient to determine the role of this variant in disease. Therefore, it has been classified as a Variant of Uncertain Significance.